The following is an entry in ClinVar:

ClinVar aggregate classification (germline): Benign (1 of 4 stars; one submission).

Allele frequency attached by ClinVar (database versions not stated): TOPMed 0.41901; gnomAD 0.41987 and 0.42354; 1000 Genomes Project 0.49900; 1000 Genomes Project 30x 0.50000.
gnomAD v4.1: 63,921 of 151,738 alleles (42%); highest among the groups gnomAD compares: East Asian, 68%; 14,338 homozygotes.

Submission:

GeneDx
Classification: Benign. Last evaluated: 2018-06-14. Review status: criteria provided, single submitter. Criteria: GeneDx Variant Classification (06012015). Collection method: clinical testing. Allele origin: germline. Affected: yes.
Comment: This variant is considered likely benign or benign based on one or more of the following criteria: it is a conservative change, it occurs at a poorly conserved position in the protein, it is predicted to be benign by multiple in silico algorithms, and/or has population frequency not consistent with disease.

NM_000256.3(MYBPC3):c.2149-182A>G

Gene: MYBPC3 (myosin binding protein C3; minus strand). Cytogenetic location: 11p11.2.
Variant type: single nucleotide variant.
Coding change: c.2149-182A>G on transcript NM_000256.3 (MANE Select); 182 bases into the intron before coding-DNA position 2149, A replaced by G.
Molecular consequence: intron variant.
Genome position (GRCh38, 1-based): chr11:47,338,861, T>C on the plus strand (A>G on the coding strand, the complement: MYBPC3 is on the minus strand). VCF-style: chr11-47338861-T-C. GRCh37 (hg19) VCF-style: chr11-47360412-T-C.
Identifiers: ClinVar variation 672035 (VCV000672035.1), dbSNP rs2269434, ClinGen allele CA13483940.
Genomic context (GRCh38, chr11:47,338,861, plus strand): 5'-CCACGTCAGCATCTAGTTCAAAATCATCTCTGTGGCACCGACTGAGGGCAGGGGCTCGGG[T>C]TCTAGCTTTGTCACGGGACCTGGGGCAACCACCTGTCCTCTCAGATGAGCTATCATGAGG-3'